The following is an entry in ClinVar:

ClinVar aggregate classification (germline): Uncertain significance (1 of 4 stars; one submission).

Submission:

Women's Health and Genetics/Laboratory Corporation of America, LabCorp
Classification: Uncertain significance. Last evaluated: 2025-12-24. Review status: criteria provided, single submitter. Criteria: LabCorp Variant Classification Summary - May 2015. Collection method: clinical testing. Allele origin: germline.
Comment: Variant summary: The variant involves the duplication of exons 1-9 in the GABRD gene. This duplication includes the entire coding sequence of the gene. As exact breakpoints are unknown, it may extend beyond the annotated region of the gene, to include other flanking genes. A presumed nomenclature of c.(?_-80)_(*477_?)dup has been designated for the purposes of this classification. The duplication of the GABRD gene in isolation was absent in the gnomAD database SVs & CNVs datasets. However, larger copy gains (affecting multiple flanking genes) were reported in controls, e.g. a large duplication (Size ~159 kbp) was found in 73/464297 alleles (site frequency: 0.0001572) in the gnomAD database CNVs v4.1 dataset. The available data on variant occurrences in the general population are insufficient to allow any conclusion about variant significance. Duplications confined to the GABRD gene have been observed in individual(s) affected with epilepsy and other symptoms (e.g. Gorukmez_2023). A study (Pelgrims_2023) analyzing copy gains in this gene region reviewed previously described patients with isolated duplications of the GABRD gene, and noted non-epileptic cases, and cases with seizures who inherited the duplication from unaffected parents. These data do not allow clear conclusions about variant significance. To our knowledge, no experimental evidence demonstrating an impact on protein function has been reported. The following publications have been ascertained in the context of this evaluation (PMID: 36964972, 37129290). ClinVar contains an entry for this variant (Variation ID: 459999). Based on the evidence outlined above, the variant was classified as uncertain significance.

Literature cited by the submitters: PubMed 36964972; PubMed 37129290.

NC_000001.10:g.(?_1950783)_(1962198_?)dup

Gene: GABRD (gamma-aminobutyric acid type A receptor subunit delta; plus strand). Cytogenetic location: 1p36.33.
Variant type: Duplication.
Identifiers: ClinVar variation 4688825 (VCV004688825.1).